The following is an entry in ClinVar:

ClinVar aggregate classification (germline): Likely pathogenic. Review status: criteria provided, multiple submitters, no conflicts (2 of 4 stars). 2 submissions from 2 submitters: Likely pathogenic (2). Last evaluated 2025-12-04.

Conditions:
NPHP3-related disorder. Also called: NPHP3-related disorders; NPHP3-related condition. Identifiers: MedGen CN379163.
Nephronophthisis. Also called: Juvenile Nephronophthisis. Identifiers: Orphanet 655, MedGen C0687120, MONDO:0019005, HP:0000090.

Allele frequency attached by ClinVar (database versions not stated): gnomAD exomes below 0.00001; ExAC 0.00001; gnomAD 0.00001; 1000 Genomes Project 30x 0.00016; 1000 Genomes Project 0.00020.
gnomAD v4.1: 3 of 1,613,786 alleles (0.00019%); highest among the groups gnomAD compares: South Asian, 0.0011%; no homozygotes.

Submissions (2):

PreventionGenetics, part of Exact Sciences
Classification: Likely pathogenic for NPHP3-related condition. Last evaluated: 2025-12-04. Review status: criteria provided, single submitter. Criteria: ACMG Guidelines, 2015. Collection method: clinical testing. Allele origin: germline.
Comment: The NPHP3 c.2172-2A>G variant is predicted to disrupt the AG splice acceptor site and interfere with normal splicing. To our knowledge, this variant has not been reported in individuals with NPHP3-related disease or in a large population database (gnomAD), indicating it is rare. Variants that disrupt the consensus splice acceptor site in NPHP3 are expected to be pathogenic. This variant is interpreted as likely pathogenic.

Labcorp Genetics (formerly Invitae), Labcorp
Classification: Likely pathogenic for Nephronophthisis. Last evaluated: 2022-06-27. Review status: criteria provided, single submitter. Criteria: Invitae Variant Classification Sherloc (09022015). Collection method: clinical testing. Allele origin: germline.
Comment: This variant has not been reported in the literature in individuals affected with NPHP3-related conditions. This sequence change affects an acceptor splice site in intron 15 of the NPHP3 gene. It is expected to disrupt RNA splicing. Variants that disrupt the donor or acceptor splice site typically lead to a loss of protein function (PMID: 16199547), and loss-of-function variants in NPHP3 are known to be pathogenic (PMID: 18371931, 23559409). This variant is present in population databases (rs547310372, gnomAD 0.003%). Algorithms developed to predict the effect of sequence changes on RNA splicing suggest that this variant may disrupt the consensus splice site. In summary, the currently available evidence indicates that the variant is pathogenic, but additional data are needed to prove that conclusively. Therefore, this variant has been classified as Likely Pathogenic.

Literature cited by the submitters: PubMed 16199547 (cited by Labcorp Genetics (formerly Invitae), Labcorp); PubMed 18371931 (cited by Labcorp Genetics (formerly Invitae), Labcorp); PubMed 23559409 (cited by Labcorp Genetics (formerly Invitae), Labcorp).

NM_153240.5(NPHP3):c.2172-2A>G

Genes: NPHP3 (nephrocystin 3; minus strand), NPHP3-ACAD11 (NPHP3-ACAD11 readthrough (NMD candidate); minus strand). Cytogenetic location: 3q22.1.
Variant type: single nucleotide variant.
Coding change: c.2172-2A>G on transcript NM_153240.5 (MANE Select); the canonical splice acceptor site of the intron before coding-DNA position 2172, A replaced by G.
Molecular consequence: splice acceptor variant.
Genome position (GRCh38, 1-based): chr3:132,694,967, T>C on the plus strand (A>G on the coding strand, the complement: NPHP3 is on the minus strand). VCF-style: chr3-132694967-T-C. GRCh37 (hg19) VCF-style: chr3-132413811-T-C.
Other names: c.2172-2A>G (NM_153240.4).
Identifiers: ClinVar variation 1505761 (VCV001505761.9), dbSNP rs547310372, ClinGen allele CA2622081.